The following is an entry in ClinVar:

NM_001854.4(COL11A1):c.991-52_991-51del

Gene: COL11A1 (collagen type XI alpha 1 chain; minus strand). Cytogenetic location: 1p21.1.
Variant type: Deletion.
Coding change: c.991-52_991-51del on transcript NM_001854.4 (MANE Select); 52 bases into the intron before coding-DNA position 991 through 51 bases into the intron before coding-DNA position 991, 2 bases deleted (TT; older notation c.991-52_991-51delTT).
Molecular consequence: intron variant.
Genome position (GRCh38, 1-based): chr1:103,023,047-103,023,048, AA deleted on the plus strand (TT on the coding strand, the reverse complement: COL11A1 is on the minus strand); deleting any 2 consecutive bases within chr1:103,023,047-103,023,049 gives the same sequence; the c. name uses the placement nearest the transcript's 3' end. VCF-style (leftmost placement, unchanged base first): chr1-103023046-TAA-T. GRCh37 (hg19) VCF-style: chr1-103488602-TAA-T.
Other names: c.874-52_874-51del (NM_001190709.2); c.1027-52_1027-51del (NM_080629.3); c.898-1279_898-1278del (NM_080630.4).
Identifiers: ClinVar variation 675124 (VCV000675124.1), dbSNP rs111390852, ClinGen allele CA975160.

ClinVar aggregate classification (germline): Benign (1 of 4 stars; one submission).

Submission:

GeneDx
Classification: Benign. Last evaluated: 2018-06-14. Review status: criteria provided, single submitter. Criteria: GeneDx Variant Classification (06012015). Collection method: clinical testing. Allele origin: germline. Affected: yes.
Comment: This variant is considered likely benign or benign based on one or more of the following criteria: it is a conservative change, it occurs at a poorly conserved position in the protein, it is predicted to be benign by multiple in silico algorithms, and/or has population frequency not consistent with disease.